The following is an entry in ClinVar:

NM_004415.4(DSP):c.4855del (p.Leu1619fs)

Gene: DSP (desmoplakin; plus strand). Cytogenetic location: 6p24.3.
Variant type: Deletion.
Coding change: c.4855del on transcript NM_004415.4 (MANE Select); coding-DNA position 4855, one base deleted (C; older notation c.4855delC).
Protein change: p.Leu1619fs; shifts the reading frame from leucine 1619.
Molecular consequence: frameshift variant. On other transcripts: intron variant (2).
Genome position (GRCh38, 1-based): chr6:7,581,045, C deleted. VCF-style (leftmost placement, unchanged base first): chr6-7581044-GC-G. GRCh37 (hg19) VCF-style: chr6-7581277-GC-G.
Other names: c.4050+805del (NM_001319034.2); c.3582+1273del (NM_001008844.3); c.4855delC (NM_004415.2); short protein forms L1619fs.
Identifiers: ClinVar variation 817029 (VCV000817029.9), dbSNP rs1231490307, ClinGen allele CA565358142.
Genomic context (GRCh38, chr6:7,581,044, plus strand): 5'-GGAAGGCATGAGGAGGTCGCTGAAGGAGCAAGCCATCAAAATCACCAACCTGACCCAGCA[GC>G]TGGAGCAGGCATCCATTGTTAAGAAGAGGAGTGAGGATGACCTCCGGCAGCAGAGGGACG-3'

ClinVar aggregate classification (germline): Pathogenic. Review status: criteria provided, multiple submitters, no conflicts (2 of 4 stars). 2 submissions from 2 submitters: Pathogenic (2). Last evaluated 2025-09-04.

Conditions:
Arrhythmogenic right ventricular dysplasia 8 (ARVD8). Also called: Arrhythmogenic Right Ventricular Dysplasia/Cardiomyopathy 8; ARRHYTHMOGENIC RIGHT VENTRICULAR DYSPLASIA, FAMILIAL, 8; ARRHYTHMOGENIC RIGHT VENTRICULAR CARDIOMYOPATHY 8. Identifiers: MedGen C1843896, MONDO:0011831, OMIM 607450.
Arrhythmogenic cardiomyopathy with wooly hair and keratoderma. Also called: Carvajal syndrome; Arrhythmogenic cardiomyopathy with woolly hair and keratoderma; PALMOPLANTAR KERATODERMA WITH LEFT VENTRICULAR CARDIOMYOPATHY AND WOOLLY HAIR; Dilated cardiomyopathy with woolly hair and keratoderma. Identifiers: Orphanet 65282, MedGen C1854063, MONDO:0011581, OMIM 605676.

Allele frequency attached by ClinVar (database versions not stated): gnomAD exomes below 0.00001 and 0.00001; gnomAD 0.00003; TOPMed 0.00003.

Submissions (2):

Labcorp Genetics (formerly Invitae), Labcorp
Classification: Pathogenic for Arrhythmogenic cardiomyopathy with wooly hair and keratoderma; Arrhythmogenic right ventricular dysplasia 8. Last evaluated: 2025-09-04. Review status: criteria provided, single submitter. Criteria: Invitae Variant Classification Sherloc (09022015). Collection method: clinical testing. Allele origin: germline.
Comment: This sequence change creates a premature translational stop signal (p.Leu1619Trpfs*26) in the DSP gene. It is expected to result in an absent or disrupted protein product. Loss-of-function variants in DSP are known to be pathogenic (PMID: 20716751, 24503780, 25227139). This variant is present in population databases (no rsID available, gnomAD 0.006%). This variant has not been reported in the literature in individuals affected with DSP-related conditions. ClinVar contains an entry for this variant (Variation ID: 817029). For these reasons, this variant has been classified as Pathogenic.

GeneDx
Classification: Pathogenic. Last evaluated: 2022-06-30. Review status: criteria provided, single submitter. Criteria: GeneDx Variant Classification Process June 2021. Collection method: clinical testing. Allele origin: germline. Affected: yes.
Comment: Frameshift variant predicted to result in protein truncation or nonsense mediated decay in a gene for which loss of function is a known mechanism of disease; Not observed at significant frequency in large population cohorts (gnomAD); Has not been previously published as pathogenic or benign to our knowledge

Literature cited by the submitters: PubMed 20716751 (cited by Labcorp Genetics (formerly Invitae), Labcorp); PubMed 24503780 (cited by Labcorp Genetics (formerly Invitae), Labcorp); PubMed 25227139 (cited by Labcorp Genetics (formerly Invitae), Labcorp).